The following is an entry in ClinVar:

NM_031935.3(HMCN1):c.10349G>A (p.Gly3450Asp)

Gene: HMCN1 (hemicentin 1; plus strand). Cytogenetic location: 1q31.1.
Variant type: single nucleotide variant.
Coding change: c.10349G>A on transcript NM_031935.3 (MANE Select); coding-DNA position 10349, G replaced by A.
Protein change: p.Gly3450Asp; replaces glycine 3450 with aspartic acid.
Molecular consequence: missense variant.
Genome position (GRCh38, 1-based): chr1:186,095,297, G>A. VCF-style: chr1-186095297-G-A. GRCh37 (hg19) VCF-style: chr1-186064429-G-A.
Other names: c.10349G>A (NM_031935.2); short protein forms G3450D.
Identifiers: ClinVar variation 2070183 (VCV002070183.5), dbSNP rs151088932, ClinGen allele CA1293698.
Genomic context (GRCh38, chr1:186,095,297, plus strand): 5'-ATGTAGCACCACCAAATATGGACAATTCAATGGGGACAGAGGAAATCACAGTTCTCAAAG[G>A]TAGTTCCACCTCTATGGCATGCATTACTGATGGAACCCCAGCTCCCAGTATGGCCTGGCT-3'
Protein context (NP_114141.2, residues 3440-3460): MGTEEITVLK[Gly3450Asp]SSTSMACITD

ClinVar aggregate classification (germline): Uncertain significance. Review status: criteria provided, multiple submitters, no conflicts (2 of 4 stars). 2 submissions from 2 submitters: Uncertain significance (2). Last evaluated 2025-01-22.

Allele frequency attached by ClinVar (database versions not stated): ESP Exome Variant Server 0.00008.
gnomAD v4.1: 2 of 1,613,760 alleles (0.00012%); no homozygotes.

Submissions (2):

Ambry Genetics
Classification: Uncertain significance. Last evaluated: 2025-01-22. Review status: criteria provided, single submitter. Criteria: Ambry Variant Classification Scheme 2023. Collection method: clinical testing. Allele origin: germline.

Labcorp Genetics (formerly Invitae), Labcorp
Classification: Uncertain significance. Last evaluated: 2022-10-21. Review status: criteria provided, single submitter. Criteria: Invitae Variant Classification Sherloc (09022015). Collection method: clinical testing. Allele origin: germline.
Comment: This sequence change replaces glycine, which is neutral and non-polar, with aspartic acid, which is acidic and polar, at codon 3450 of the HMCN1 protein (p.Gly3450Asp). This variant is present in population databases (rs151088932, gnomAD 0.0009%). This variant has not been reported in the literature in individuals affected with HMCN1-related conditions. Algorithms developed to predict the effect of missense changes on protein structure and function (SIFT, PolyPhen-2, Align-GVGD) all suggest that this variant is likely to be tolerated. In summary, the available evidence is currently insufficient to determine the role of this variant in disease. Therefore, it has been classified as a Variant of Uncertain Significance.